The following is an entry in ClinVar:

NM_001130823.3(DNMT1):c.3523+3G>T

Gene: DNMT1 (DNA methyltransferase 1; minus strand). Cytogenetic location: 19p13.2.
Variant type: single nucleotide variant.
Coding change: c.3523+3G>T on transcript NM_001130823.3 (MANE Select); 3 bases into the intron after coding-DNA position 3523, G replaced by T.
Molecular consequence: intron variant.
Genome position (GRCh38, 1-based): chr19:10,140,778, C>A on the plus strand (G>T on the coding strand, the complement: DNMT1 is on the minus strand). VCF-style: chr19-10140778-C-A. GRCh37 (hg19) VCF-style: chr19-10251454-C-A.
Other names: c.3160+3G>T (NM_001318731.2); c.3475+3G>T (NM_001379.4, NM_001318730.2).
Identifiers: ClinVar variation 1401081 (VCV001401081.6), dbSNP rs2089585806, ClinGen allele CA2322283033.
Genomic context (GRCh38, chr19:10,140,778, plus strand): 5'-CAGGTAGCACCTGCCCGGTCTGGGCTCACCAGGTATTCAGAGATGGAGCCTACGGGCGCT[C>A]ACCTGCTTGGTGGAATCCCTCCGACAACCCCCCGCAGCCAGAAAACACATCCAGGGTCCG-3'

ClinVar aggregate classification (germline): Uncertain significance (1 of 4 stars; one submission).

Conditions:
Hereditary sensory neuropathy-deafness-dementia syndrome. Also called: Hereditary Sensory and Autonomic Neuropathy Type 1E (HSAN1E); NEUROPATHY, HEREDITARY SENSORY, WITH HEARING LOSS AND DEMENTIA; Hereditary sensory neuropathy type IE; HSN IE. Identifiers: Orphanet 456318, MedGen C3279885, MONDO:0013584, OMIM 614116.

Submission:

Labcorp Genetics (formerly Invitae), Labcorp
Classification: Uncertain significance for Hereditary sensory neuropathy-deafness-dementia syndrome. Last evaluated: 2022-11-22. Review status: criteria provided, single submitter. Criteria: Invitae Variant Classification Sherloc (09022015). Collection method: clinical testing. Allele origin: germline.
Comment: In summary, the available evidence is currently insufficient to determine the role of this variant in disease. Therefore, it has been classified as a Variant of Uncertain Significance. Variants that disrupt the consensus splice site are a relatively common cause of aberrant splicing (PMID: 17576681, 9536098). Algorithms developed to predict the effect of sequence changes on RNA splicing suggest that this variant may disrupt the consensus splice site. ClinVar contains an entry for this variant (Variation ID: 1401081). This variant has not been reported in the literature in individuals affected with DNMT1-related conditions. This variant is not present in population databases (gnomAD no frequency). This sequence change falls in intron 32 of the DNMT1 gene. It does not directly change the encoded amino acid sequence of the DNMT1 protein. It affects a nucleotide within the consensus splice site.

Literature cited by the submitters: PubMed 17576681; PubMed 9536098.